The following is an entry in ClinVar:

NM_001040436.3(YARS2):c.1104-107A>C

Gene: YARS2 (tyrosyl-tRNA synthetase 2; minus strand). Cytogenetic location: 12p11.21.
Variant type: single nucleotide variant.
Coding change: c.1104-107A>C on transcript NM_001040436.3 (MANE Select); 107 bases into the intron before coding-DNA position 1104, A replaced by C.
Molecular consequence: intron variant.
Genome position (GRCh38, 1-based): chr12:32,750,214, T>G on the plus strand (A>C on the coding strand, the complement: YARS2 is on the minus strand). VCF-style: chr12-32750214-T-G. GRCh37 (hg19) VCF-style: chr12-32903148-T-G.
Identifiers: ClinVar variation 676439 (VCV000676439.1), dbSNP rs10844339, ClinGen allele CA13585652.

ClinVar aggregate classification (germline): Benign (1 of 4 stars; one submission).

Allele frequency attached by ClinVar (database versions not stated): 1000 Genomes Project 0.11082; 1000 Genomes Project 30x 0.11118; gnomAD 0.12522; TOPMed 0.12733.
gnomAD v4.1: 188,327 of 1,381,304 alleles (14%); highest among the groups gnomAD compares: Middle Eastern, 18%; 13,062 homozygotes.

Submission:

GeneDx
Classification: Benign. Last evaluated: 2018-06-14. Review status: criteria provided, single submitter. Criteria: GeneDx Variant Classification (06012015). Collection method: clinical testing. Allele origin: germline. Affected: yes.
Comment: This variant is considered likely benign or benign based on one or more of the following criteria: it is a conservative change, it occurs at a poorly conserved position in the protein, it is predicted to be benign by multiple in silico algorithms, and/or has population frequency not consistent with disease.